The following is an entry in ClinVar:

ClinVar aggregate classification (germline): Likely benign. Review status: criteria provided, multiple submitters, no conflicts (2 of 4 stars). 3 submissions from 3 submitters: Likely benign (2). 1 of the submissions does not count toward it. Last evaluated 2025-08-30.

Conditions:
Inborn genetic diseases. Identifiers: MedGen C0950123, MeSH D030342.
F5-related disorder. Also called: F5-related condition.
Congenital factor V deficiency. Also called: LABILE FACTOR DEFICIENCY; OWREN PARAHEMOPHILIA; PARAHEMOPHILIA; Hereditary factor V deficiency disease. Identifiers: Orphanet 326, MedGen C0015499, MONDO:0009210, OMIM 227400.

Allele frequency attached by ClinVar (database versions not stated): gnomAD exomes 0.00004; ESP Exome Variant Server 0.00031; gnomAD 0.00049; 1000 Genomes Project 0.00080; ExAC 0.00016; TOPMed 0.00047; 1000 Genomes Project 30x 0.00078.
gnomAD v4.1: 130 of 1,613,568 alleles (0.0081%); highest among the groups gnomAD compares: African/African-American, 0.16%; 1 homozygote.

Submissions (3):

Labcorp Genetics (formerly Invitae), Labcorp
Classification: Likely benign for Congenital factor V deficiency. Last evaluated: 2025-08-30. Review status: criteria provided, single submitter. Criteria: Invitae Variant Classification Sherloc (09022015). Collection method: clinical testing. Allele origin: germline.

Ambry Genetics
Classification: Likely benign for Inborn genetic diseases. Last evaluated: 2022-09-16. Review status: criteria provided, single submitter. Criteria: Ambry Variant Classification Scheme 2023. Collection method: clinical testing. Allele origin: germline.

PreventionGenetics, part of Exact Sciences
Classification: Likely benign for F5-related condition. Last evaluated: 2021-03-03. Review status: no assertion criteria provided. Collection method: clinical testing. Allele origin: germline. Not counted in ClinVar's aggregate classification.
Comment: This variant is classified as likely benign based on ACMG/AMP sequence variant interpretation guidelines (Richards et al. 2015 PMID: 25741868, with internal and published modifications).

NM_000130.5(F5):c.6489A>G (p.Glu2163=)

Gene: F5 (coagulation factor V; minus strand). Cytogenetic location: 1q24.2.
Variant type: single nucleotide variant.
Coding change: c.6489A>G on transcript NM_000130.5 (MANE Select); coding-DNA position 6489, A replaced by G.
Protein change: p.Glu2163=; no amino-acid change (glutamic acid 2163 retained).
Molecular consequence: synonymous variant.
Genome position (GRCh38, 1-based): chr1:169,515,483, T>C on the plus strand (A>G on the coding strand, the complement: F5 is on the minus strand). VCF-style: chr1-169515483-T-C. GRCh37 (hg19) VCF-style: chr1-169484721-T-C.
Identifiers: ClinVar variation 1753799 (VCV001753799.7), dbSNP rs138021584, ClinGen allele CA1233221.